The following is an entry in ClinVar:

ClinVar aggregate classification (germline): Uncertain significance. Review status: criteria provided, multiple submitters, no conflicts (2 of 4 stars). 2 submissions from 2 submitters: Uncertain significance (2). Last evaluated 2025-09-10.

Conditions:
Autosomal dominant intellectual disability-craniofacial anomalies-cardiac defects syndrome (ARTHS). Also called: Arboleda-Tham syndrome; Mental retardation, autosomal dominant 32; KAT6A syndrome. Identifiers: Orphanet 457193, MedGen C4225396, MONDO:0014558, OMIM 616268.

gnomAD v4.1: 1 of 1,609,864 alleles (0.000062%); highest among the groups gnomAD compares: African/African-American, 0.0013%; no homozygotes.

Submissions (2):

Genomic Medicine Center of Excellence, King Faisal Specialist Hospital and Research Centre
Classification: Uncertain significance for Autosomal dominant intellectual disability-craniofacial anomalies-cardiac defects syndrome. Last evaluated: 2025-09-10. Review status: criteria provided, single submitter. Criteria: ACMG Guidelines, 2015. Collection method: clinical testing. Allele origin: germline.

Labcorp Genetics (formerly Invitae), Labcorp
Classification: Uncertain significance. Last evaluated: 2024-09-03. Review status: criteria provided, single submitter. Criteria: Invitae Variant Classification Sherloc (09022015). Collection method: clinical testing. Allele origin: germline.
Comment: This sequence change replaces leucine, which is neutral and non-polar, with valine, which is neutral and non-polar, at codon 470 of the KAT6A protein (p.Leu470Val). This variant is not present in population databases (gnomAD no frequency). This variant has not been reported in the literature in individuals affected with KAT6A-related conditions. Invitae Evidence Modeling of protein sequence and biophysical properties (such as structural, functional, and spatial information, amino acid conservation, physicochemical variation, residue mobility, and thermodynamic stability) indicates that this missense variant is not expected to disrupt KAT6A protein function with a negative predictive value of 80%. In summary, the available evidence is currently insufficient to determine the role of this variant in disease. Therefore, it has been classified as a Variant of Uncertain Significance.

NM_006766.5(KAT6A):c.1408C>G (p.Leu470Val)

Gene: KAT6A (lysine acetyltransferase 6A; minus strand). Cytogenetic location: 8p11.21.
Variant type: single nucleotide variant.
Coding change: c.1408C>G on transcript NM_006766.5 (MANE Select); coding-DNA position 1408, C replaced by G.
Protein change: p.Leu470Val; replaces leucine 470 with valine.
Molecular consequence: missense variant.
Genome position (GRCh38, 1-based): chr8:41,974,778, G>C on the plus strand (C>G on the coding strand, the complement: KAT6A is on the minus strand). VCF-style: chr8-41974778-G-C. GRCh37 (hg19) VCF-style: chr8-41832296-G-C.
Other names: c.1408C>G, p.Leu470Val (NM_001305878.2); short protein forms L470V.
Identifiers: ClinVar variation 3669428 (VCV003669428.3).